The following is an entry in ClinVar:

NM_020821.3(VPS13C):c.694G>A (p.Glu232Lys)

Gene: VPS13C (vacuolar protein sorting 13 homolog C; minus strand). Cytogenetic location: 15q22.2.
Variant type: single nucleotide variant.
Coding change: c.694G>A on transcript NM_020821.3 (MANE Select); coding-DNA position 694, G replaced by A.
Protein change: p.Glu232Lys; replaces glutamic acid 232 with lysine.
Molecular consequence: missense variant.
Genome position (GRCh38, 1-based): chr15:62,013,983, C>T on the plus strand (G>A on the coding strand, the complement: VPS13C is on the minus strand). VCF-style: chr15-62013983-C-T. GRCh37 (hg19) VCF-style: chr15-62306182-C-T.
Other names: c.694G>A, p.Glu232Lys (NM_001018088.3); c.565G>A, p.Glu189Lys (NM_017684.5, NM_018080.4); short protein forms E189K, E232K.
Identifiers: ClinVar variation 2157215 (VCV002157215.4), dbSNP rs1469754354, ClinGen allele CA392690050.

ClinVar aggregate classification (germline): Uncertain significance (1 of 4 stars; one submission).

Submission:

Labcorp Genetics (formerly Invitae), Labcorp
Classification: Uncertain significance. Last evaluated: 2022-09-13. Review status: criteria provided, single submitter. Criteria: Invitae Variant Classification Sherloc (09022015). Collection method: clinical testing. Allele origin: germline.
Comment: In summary, the available evidence is currently insufficient to determine the role of this variant in disease. Therefore, it has been classified as a Variant of Uncertain Significance. Algorithms developed to predict the effect of sequence changes on RNA splicing suggest that this variant may disrupt the consensus splice site. Advanced modeling of protein sequence and biophysical properties (such as structural, functional, and spatial information, amino acid conservation, physicochemical variation, residue mobility, and thermodynamic stability) performed at Invitae indicates that this missense variant is expected to disrupt VPS13C protein function. This variant has not been reported in the literature in individuals affected with VPS13C-related conditions. This variant is not present in population databases (gnomAD no frequency). This sequence change replaces glutamic acid, which is acidic and polar, with lysine, which is basic and polar, at codon 232 of the VPS13C protein (p.Glu232Lys).